The following is an entry in ClinVar:

ClinVar aggregate classification (germline): Likely benign (1 of 4 stars; one submission).

Allele frequency attached by ClinVar (database versions not stated): gnomAD 0.00067 and 0.00102; TOPMed 0.00088; ESP Exome Variant Server 0.00097; gnomAD exomes 0.00167; ExAC 0.00249; 1000 Genomes Project 30x 0.00328; 1000 Genomes Project 0.00339.
gnomAD v4.1: 1,790 of 1,612,164 alleles (0.11%); highest among the groups gnomAD compares: South Asian, 0.96%; 13 homozygotes.

Submission:

CeGaT Center for Human Genetics Tuebingen
Classification: Likely benign. Last evaluated: 2026-07-01. Review status: criteria provided, single submitter. Criteria: CeGaT Center For Human Genetics Tuebingen Variant Classification Criteria Version 2. Collection method: clinical testing. Allele origin: germline. Affected: yes. Observed: 18 variant alleles.
Comment: SCG5: BP4, BS2

NM_001144757.3(SCG5):c.543+8G>A

Genes: ARHGAP11A-SCG5 (ARHGAP11A-SCG5 readthrough; plus strand), SCG5 (secretogranin V; plus strand). Cytogenetic location: 15q13.3.
Variant type: single nucleotide variant.
Coding change: c.543+8G>A on transcript NM_001144757.3 (MANE Select); 8 bases into the intron after coding-DNA position 543, G replaced by A.
Molecular consequence: intron variant.
Genome position (GRCh38, 1-based): chr15:32,691,771, G>A. VCF-style: chr15-32691771-G-A. GRCh37 (hg19) VCF-style: chr15-32983972-G-A.
Other names: c.490-4743G>A (NM_001394278.1); c.540+8G>A (NM_003020.5); c.487-4743G>A (NM_001394279.1); c.1782+8G>A (NM_001368319.1).
Identifiers: ClinVar variation 1701250 (VCV001701250.31), dbSNP rs199958383, ClinGen allele CA7455996.
Genomic context (GRCh38, chr15:32,691,771, plus strand): 5'-ACAAGAAACTCCTTTACGAGAAGATGAAGGGAGGAGAGAGACGAAAGCGGAGGGTAACAC[G>A]TGCCTGGCTGGATTGTTGCGGGGATGCTTGGAGCTTTCTGAGTGGGGCAGTGAACAGGCT-3'